The following is an entry in ClinVar:

NM_004991.4(MECOM):c.2546G>A (p.Arg849Lys)

Gene: MECOM (MDS1 and EVI1 complex locus; minus strand). Cytogenetic location: 3q26.2.
Variant type: single nucleotide variant.
Coding change: c.2546G>A on transcript NM_004991.4 (MANE Select); coding-DNA position 2546, G replaced by A.
Protein change: p.Arg849Lys; replaces arginine 849 with lysine.
Molecular consequence: missense variant.
Genome position (GRCh38, 1-based): chr3:169,112,818, C>T on the plus strand (G>A on the coding strand, the complement: MECOM is on the minus strand). VCF-style: chr3-169112818-C-T. GRCh37 (hg19) VCF-style: chr3-168830606-C-T.
Other names: c.2177G>A, p.Arg726Lys (NM_001105077.4); c.1982G>A, p.Arg661Lys (NM_001105078.4, NM_001164000.2, NM_001205194.2 and 4 more transcripts); c.1985G>A, p.Arg662Lys (NM_001163999.2, NM_001366467.2, NM_001366468.2 and 1 more transcripts); c.2546G>A, p.Arg849Lys (NM_001366466.2); c.1574G>A, p.Arg525Lys (NM_001366473.2); c.1010G>A, p.Arg337Lys (NM_001366474.2); short protein forms R662K, R726K, R337K, R661K, R525K, R849K.
Identifiers: ClinVar variation 3394254 (VCV003394254.1).

ClinVar aggregate classification (germline): Uncertain significance (1 of 4 stars; one submission).

Conditions:
Inborn genetic diseases. Identifiers: MedGen C0950123, MeSH D030342.

gnomAD v4.1: 1 of 1,613,074 alleles (0.000062%); highest among the groups gnomAD compares: Non-Finnish European, 0.000085%; no homozygotes.

Submission:

Ambry Genetics
Classification: Uncertain significance for Inborn genetic diseases. Last evaluated: 2024-11-18. Review status: criteria provided, single submitter. Criteria: Ambry Variant Classification Scheme 2023. Collection method: clinical testing. Allele origin: germline.
Comment: The p.R849K variant (also known as c.2546G>A), located in coding exon 9 of the MECOM gene, results from a G to A substitution at nucleotide position 2546. The arginine at codon 849 is replaced by lysine, an amino acid with highly similar properties. This amino acid position is conserved. In addition, the in silico prediction for this alteration is inconclusive. Based on the available evidence, the clinical significance of this variant remains unclear.